The following is an entry in ClinVar:

NM_018127.7(ELAC2):c.1423+1G>A

Gene: ELAC2 (elaC ribonuclease Z 2; minus strand). Cytogenetic location: 17p12.
Variant type: single nucleotide variant.
Coding change: c.1423+1G>A on transcript NM_018127.7 (MANE Select); the canonical splice donor site of the intron after coding-DNA position 1423, G replaced by A.
Molecular consequence: splice donor variant.
Genome position (GRCh38, 1-based): chr17:13,000,155, C>T on the plus strand (G>A on the coding strand, the complement: ELAC2 is on the minus strand). VCF-style: chr17-13000155-C-T. GRCh37 (hg19) VCF-style: chr17-12903472-C-T.
Other names: c.1303+1G>A (NM_001165962.2); c.1420+1G>A (NM_173717.2).
Identifiers: ClinVar variation 3672099 (VCV003672099.3).

ClinVar aggregate classification (germline): Pathogenic. Review status: criteria provided, multiple submitters, no conflicts (2 of 4 stars). 2 submissions from 2 submitters: Pathogenic (2). Last evaluated 2024-12-09.

Conditions:
Combined oxidative phosphorylation defect type 17. Also called: Combined oxidative phosphorylation deficiency 17. Identifiers: Orphanet 369913, MedGen C3809526, MONDO:0014190, OMIM 615440.

Submissions (2):

Labcorp Genetics (formerly Invitae), Labcorp
Classification: Pathogenic for Combined oxidative phosphorylation defect type 17. Last evaluated: 2024-12-09. Review status: criteria provided, single submitter. Criteria: Invitae Variant Classification Sherloc (09022015). Collection method: clinical testing. Allele origin: germline.
Comment: This sequence change affects a donor splice site in intron 15 of the ELAC2 gene. It is expected to disrupt RNA splicing. Variants that disrupt the donor or acceptor splice site typically lead to a loss of protein function (PMID: 16199547), and loss-of-function variants in ELAC2 are known to be pathogenic (PMID: 27769300, 31045291). This variant is present in population databases (no rsID available, gnomAD 0.006%). Disruption of this splice site has been observed in individual(s) with ELAC2-related conditions (PMID: 27769300). It has also been observed to segregate with disease in related individuals. Studies have shown that disruption of this splice site alters ELAC2 gene expression (PMID: 27769300). Algorithms developed to predict the effect of sequence changes on RNA splicing suggest that this variant may disrupt the consensus splice site. For these reasons, this variant has been classified as Pathogenic.

Revvity Omics, Revvity
Classification: Pathogenic for Combined oxidative phosphorylation defect type 17. Last evaluated: 2024-11-27. Review status: criteria provided, single submitter. Criteria: ACMG Guidelines, 2015. Collection method: clinical testing. Allele origin: germline.

Literature cited by the submitters: PubMed 16199547 (cited by Labcorp Genetics (formerly Invitae), Labcorp); PubMed 27769300 (cited by Labcorp Genetics (formerly Invitae), Labcorp); PubMed 31045291 (cited by Labcorp Genetics (formerly Invitae), Labcorp).